The following is an entry in ClinVar:

ClinVar aggregate classification (germline): Pathogenic (1 of 4 stars; one submission).

Conditions:
Glycogen storage disease IXa1. Also called: LIVER GLYCOGENOSIS, X-LINKED, TYPE I; GLYCOGEN STORAGE DISEASE VIII; GSD VIII; Glycogen storage disease 8. Identifiers: Orphanet 264580, MedGen C3694531, MONDO:0010598, OMIM 306000.

Allele frequency attached by ClinVar (database versions not stated): gnomAD exomes below 0.00001.
gnomAD v4.1: 2 of 1,192,734 alleles (0.00017%); highest among the groups gnomAD compares: Non-Finnish European, 0.00023%; no homozygotes.

Submission:

Labcorp Genetics (formerly Invitae), Labcorp
Classification: Pathogenic for Glycogen storage disease IXa1. Last evaluated: 2023-02-22. Review status: criteria provided, single submitter. Criteria: Invitae Variant Classification Sherloc (09022015). Collection method: clinical testing. Allele origin: germline.
Comment: This variant is not present in population databases (gnomAD no frequency). This premature translational stop signal has been observed in individual(s) with X-linked liver glycogenosis (PMID: 9600238). This sequence change creates a premature translational stop signal (p.Arg352*) in the PHKA2 gene. It is expected to result in an absent or disrupted protein product. Loss-of-function variants in PHKA2 are known to be pathogenic (PMID: 7711737, 10330341). ClinVar contains an entry for this variant (Variation ID: 526624). For these reasons, this variant has been classified as Pathogenic.

Literature cited by the submitters: PubMed 9600238; PubMed 7711737; PubMed 10330341.

NM_000292.3(PHKA2):c.1054C>T (p.Arg352Ter)

Gene: PHKA2 (phosphorylase kinase regulatory subunit alpha 2; minus strand). Cytogenetic location: Xp22.13.
Variant type: single nucleotide variant.
Coding change: c.1054C>T on transcript NM_000292.3 (MANE Select); coding-DNA position 1054, C replaced by T.
Protein change: p.Arg352Ter; replaces arginine 352 with a stop codon.
Molecular consequence: nonsense.
Genome position (GRCh38, 1-based): chrX:18,936,138, G>A on the plus strand (C>T on the coding strand, the complement: PHKA2 is on the minus strand). VCF-style: chrX-18936138-G-A. GRCh37 (hg19) VCF-style: chrX-18954256-G-A.
Other names: short protein forms R352*.
Identifiers: ClinVar variation 526624 (VCV000526624.8), dbSNP rs1556007472, ClinGen allele CA412395479.
Genomic context (GRCh38, chrX:18,936,138, plus strand): 5'-GTTCAGGCACCAGGCGGATCCCATTCTTGCCTCTGATGAGTATTCCCTCCAGGGCCTCTC[G>A]GTATTCTTGGACCTGGAAAACAGCCCCATCATCCATGGCAGGAAGGAGGTCTGGTCATGA-3'